The following is an entry in ClinVar:

NM_021044.4(DHH):c.1104G>C (p.Ala368=)

Gene: DHH (desert hedgehog signaling molecule; minus strand). Cytogenetic location: 12q13.12.
Variant type: single nucleotide variant.
Coding change: c.1104G>C on transcript NM_021044.4 (MANE Select); coding-DNA position 1104, G replaced by C.
Protein change: p.Ala368=; no amino-acid change (alanine 368 retained).
Molecular consequence: synonymous variant.
Genome position (GRCh38, 1-based): chr12:49,089,946, C>G on the plus strand (G>C on the coding strand, the complement: DHH is on the minus strand). VCF-style: chr12-49089946-C-G. GRCh37 (hg19) VCF-style: chr12-49483729-C-G.
Identifiers: ClinVar variation 3042896 (VCV003042896.3), dbSNP rs1338004115, ClinGen allele CA479715803.

ClinVar aggregate classification (germline): Likely benign. Review status: criteria provided, single submitter (1 of 4 stars). 2 submissions from 2 submitters: Likely benign (1). 1 of the submissions does not count toward it. Last evaluated 2022-12-30.

Conditions:
DHH-related disorder. Also called: DHH-related condition.

Allele frequency attached by ClinVar (database versions not stated): TOPMed below 0.00001; gnomAD 0.00001.
gnomAD v4.1: 3 of 1,579,170 alleles (0.00019%); highest among the groups gnomAD compares: African/African-American, 0.004%; no homozygotes.

Submissions (2):

Blueprint Genetics
Classification: Likely benign. Last evaluated: 2022-12-30. Review status: criteria provided, single submitter. Criteria: ACMG Guidelines, 2015. Collection method: clinical testing. Allele origin: germline.

PreventionGenetics, part of Exact Sciences
Classification: Likely benign for DHH-related condition. Last evaluated: 2019-04-11. Review status: no assertion criteria provided. Collection method: clinical testing. Allele origin: germline. Not counted in ClinVar's aggregate classification.
Comment: This variant is classified as likely benign based on ACMG/AMP sequence variant interpretation guidelines (Richards et al. 2015 PMID: 25741868, with internal and published modifications).